The following is an entry in ClinVar:

NM_002880.4(RAF1):c.1720_1760dup (p.Asp587_Cys588insIleArgThrAlaProLysGlnTer)

Gene: RAF1 (Raf-1 proto-oncogene, serine/threonine kinase; minus strand). Cytogenetic location: 3p25.2.
Variant type: Duplication.
Coding change: c.1720_1760dup on transcript NM_002880.4 (MANE Select); coding-DNA positions 1720 to 1760, 41 bases duplicated.
Protein change: p.Asp587_Cys588insIleArgThrAlaProLysGlnTer.
Molecular consequence: nonsense, inframe insertion. On other transcripts: non-coding transcript variant (3).
Genome position (GRCh38, 1-based): chr3:12,584,890-12,584,930, 41 bases duplicated; duplicating any 41 consecutive bases within chr3:12,584,890-12,584,931 gives the same sequence; the c. name uses the placement nearest the transcript's 3' end. GRCh37 (hg19): chr3:12,626,390-12,626,430.
Other names: c.1780_1820dup, p.Asp607_Cys608insIleArgThrAlaProLysGlnTer (NM_001354689.3); c.1720_1760dup, p.Asp587_Cys588insIleArgThrAlaProLysGlnTer (NM_001354690.3); c.1477_1517dup, p.Asp506_Cys507insIleArgThrAlaProLysGlnTer (NM_001354691.3, NM_001354692.3); c.1621_1661dup, p.Asp554_Cys555insIleArgThrAlaProLysGlnTer (NM_001354693.3); c.1537_1577dup, p.Asp526_Cys527insIleArgThrAlaProLysGlnTer (NM_001354694.3); c.1378_1418dup, p.Asp473_Cys474insIleArgThrAlaProLysGlnTer (NM_001354695.3).
Identifiers: ClinVar variation 917807 (VCV000917807.1), dbSNP rs2058275378, ClinGen allele CA1139657910.
Genomic context (GRCh38, chr3:12,584,889, plus strand): 5'-AGCAGCCCTGAGCCTTACCTGGGGAAAAAGAGGCCTCTCTTCCTTTACTTTCTTCACACA[G>GTCAGCTACCAGCCTCTTCATTGCTTTGGGGCAGTTCTTATA]TCAGCTACCAGCCTCTTCATTGCTTTGGGGCAGTTCTTATATAGCTTACTAAGATCTGGG-3'

ClinVar aggregate classification (germline): Uncertain significance (1 of 4 stars; one submission).

Submission:

Women's Health and Genetics/Laboratory Corporation of America, LabCorp
Classification: Uncertain significance. Last evaluated: 2020-04-27. Review status: criteria provided, single submitter. Criteria: LabCorp Variant Classification Summary - May 2015. Collection method: clinical testing. Allele origin: germline.
Comment: Variant summary: RAF1 c.1720_1760dup41 (p.Cys588IlefsX8) results in a premature termination codon, predicted to cause a truncation of the encoded protein or absence of the protein due to nonsense mediated decay. The variant was absent in 251380 control chromosomes (gnomAD). The available data on variant occurrences in the general population are insufficient to allow any conclusion about variant significance. To our knowledge, no occurrence of c.1720_1760dup41 in individuals affected with Noonan Syndrome And Related Conditions and no experimental evidence demonstrating its impact on protein function have been reported. No clinical diagnostic laboratories have submitted clinical-significance assessments for this variant to ClinVar after 2014. Based on the evidence outlined above, the variant was classified as uncertain significance.